The following is an entry in ClinVar:

NM_022828.5(YTHDC2):c.3049-5A>T

Gene: YTHDC2 (YTH N6-methyladenosine RNA binding protein C2; plus strand). Cytogenetic location: 5q22.2.
Variant type: single nucleotide variant.
Coding change: c.3049-5A>T on transcript NM_022828.5 (MANE Select); 5 bases into the intron before coding-DNA position 3049, A replaced by T.
Molecular consequence: intron variant.
Genome position (GRCh38, 1-based): chr5:113,567,649, A>T. VCF-style: chr5-113567649-A-T. GRCh37 (hg19) VCF-style: chr5-112903346-A-T.
Other names: c.2563-5A>T (NM_001345975.2); c.2149-5A>T (NM_001345976.2).
Identifiers: ClinVar variation 3043311 (VCV003043311.2), dbSNP rs1447561283, ClinGen allele CA562218298.

ClinVar aggregate classification (germline): Likely benign (0 of 4 stars; one submission).

Conditions:
YTHDC2-related disorder. Also called: YTHDC2-related condition.

Allele frequency attached by ClinVar (database versions not stated): TOPMed below 0.00001; gnomAD 0.00001; gnomAD exomes 0.00001.
gnomAD v4.1: 10 of 1,581,342 alleles (0.00063%); highest among the groups gnomAD compares: Middle Eastern, 0.033%; no homozygotes.

Submission:

PreventionGenetics, part of Exact Sciences
Classification: Likely benign for YTHDC2-related condition. Last evaluated: 2019-06-20. Review status: no assertion criteria provided. Collection method: clinical testing. Allele origin: germline.
Comment: This variant is classified as likely benign based on ACMG/AMP sequence variant interpretation guidelines (Richards et al. 2015 PMID: 25741868, with internal and published modifications).